The following is an entry in ClinVar:

ClinVar aggregate classification (germline): Pathogenic (1 of 4 stars; one submission).

Conditions:
Hereditary cancer-predisposing syndrome. Also called: Neoplastic Syndromes, Hereditary; Tumor predisposition; Hereditary Cancer Syndrome; Hereditary neoplastic syndrome. Identifiers: Orphanet 140162, MedGen C0027672, MeSH D009386, MONDO:0015356.

Submission:

Color Diagnostics, LLC DBA Color Health
Classification: Pathogenic for Hereditary cancer-predisposing syndrome. Last evaluated: 2019-10-07. Review status: criteria provided, single submitter. Criteria: ACMG Guidelines, 2015. Collection method: clinical testing. Allele origin: germline.
Comment: This variant deletes 2 nucleotides in exon 7 of the MSH6 gene, creating a frameshift and premature translation stop signal. This variant is expected to result in an absent or non-functional protein product. Splice site prediction tools suggest that this variant may not impact RNA splicing. To our knowledge, functional studies have not been performed for this variant. This variant has not been reported in individuals affected with hereditary cancer in the literature. This variant has not been identified in the general population by the Genome Aggregation Database (gnomAD). Loss of MSH6 function is a known mechanism of disease. Based on the available evidence, this variant is classified as Pathogenic.

NM_000179.3(MSH6):c.3567_3568del (p.Phe1191fs)

Gene: MSH6 (mutS homolog 6; plus strand). Cytogenetic location: 2p16.3.
Variant type: Deletion.
Coding change: c.3567_3568del on transcript NM_000179.3 (MANE Select); coding-DNA positions 3567 to 3568, 2 bases deleted (AT; older notation c.3567_3568delAT).
Protein change: p.Phe1191fs; shifts the reading frame from phenylalanine 1191.
Molecular consequence: frameshift variant.
Genome position (GRCh38, 1-based): chr2:47,805,628-47,805,629, AT deleted. VCF-style (leftmost placement, unchanged base first): chr2-47805627-CAT-C. GRCh37 (hg19) VCF-style: chr2-48032766-CAT-C.
Other names: c.3177_3178del, p.Phe1061fs (NM_001281492.2); c.2661_2662del, p.Phe889fs (NM_001281493.2, NM_001281494.2); short protein forms F889fs, F1191fs, F1061fs.
Identifiers: ClinVar variation 918580 (VCV000918580.3), dbSNP rs1669958074, ClinGen allele CA1139656966.